The following is an entry in ClinVar:

ClinVar aggregate classification (germline): Uncertain significance (1 of 4 stars; one submission).

Conditions:
Hereditary cancer-predisposing syndrome. Also called: Hereditary neoplastic syndrome; Neoplastic Syndromes, Hereditary; Tumor predisposition; Hereditary Cancer Syndrome. Identifiers: Orphanet 140162, MedGen C0027672, MeSH D009386, MONDO:0015356.

Submission:

Ambry Genetics
Classification: Uncertain significance for Hereditary cancer-predisposing syndrome. Last evaluated: 2025-06-28. Review status: criteria provided, single submitter. Criteria: Ambry Variant Classification Scheme 2023. Collection method: clinical testing. Allele origin: germline.
Comment: The p.E9G variant (also known as c.26A>G), located in coding exon 1 of the PTCH1 gene, results from an A to G substitution at nucleotide position 26. The glutamic acid at codon 9 is replaced by glycine, an amino acid with similar properties. This amino acid position is conserved. In addition, this alteration is predicted to be tolerated by in silico analysis. Based on the available evidence, the clinical significance of this variant remains unclear.

NM_000264.5(PTCH1):c.26A>G (p.Glu9Gly)

Genes: PTCH1 (patched 1; minus strand), LOC130002133 (ATAC-STARR-seq lymphoblastoid silent region 20071; plus strand). Cytogenetic location: 9q22.32.
Variant type: single nucleotide variant.
Coding change: c.26A>G on transcript NM_000264.5 (MANE Select); coding-DNA position 26, A replaced by G.
Protein change: p.Glu9Gly; replaces glutamic acid 9 with glycine.
Molecular consequence: missense variant. On other transcripts: non-coding transcript variant (1), intron variant (3).
Genome position (GRCh38, 1-based): chr9:95,508,336, T>C on the plus strand (A>G on the coding strand, the complement: PTCH1 is on the minus strand). VCF-style: chr9-95508336-T-C. GRCh37 (hg19) VCF-style: chr9-98270618-T-C.
Other names: c.26A>G, p.Glu9Gly (NM_001354918.2); c.199-1737A>G (NM_001083603.3); c.4-1737A>G (NM_001083602.3, NM_001354919.2); short protein forms E9G.
Identifiers: ClinVar variation 4146852 (VCV004146852.1).
Genomic context (GRCh38, chr9:95,508,336, plus strand): 5'-CCAGCCGGCCGTCCCGGGGCACCGATACAGCCGCTGCCGCCGCCGCCGCGGTCCTGGGGC[T>C]CGGCGGCGTTACCAGCCGAGGCCATGTTGCCGCCGCCGCCGCCGCCGCCGCGGGGACGGA-3'
Protein context (NP_000255.2, residues 1-19): MASAGNAA[Glu9Gly]PQDRGGGGSG